The following is an entry in ClinVar:

ClinVar aggregate classification (germline): Uncertain significance (1 of 4 stars; one submission).

Submission:

Labcorp Genetics (formerly Invitae), Labcorp
Classification: Uncertain significance. Last evaluated: 2022-08-15. Review status: criteria provided, single submitter. Criteria: Invitae Variant Classification Sherloc (09022015). Collection method: clinical testing. Allele origin: germline.
Comment: This variant is not present in population databases (gnomAD no frequency). This variant has not been reported in the literature in individuals affected with TUBGCP6-related conditions. Algorithms developed to predict the effect of missense changes on protein structure and function are either unavailable or do not agree on the potential impact of this missense change (SIFT: "Deleterious"; PolyPhen-2: "Probably Damaging"; Align-GVGD: "Class C0"). In summary, the available evidence is currently insufficient to determine the role of this variant in disease. Therefore, it has been classified as a Variant of Uncertain Significance. This sequence change replaces proline, which is neutral and non-polar, with alanine, which is neutral and non-polar, at codon 233 of the TUBGCP6 protein (p.Pro233Ala).

NM_020461.4(TUBGCP6):c.697C>G (p.Pro233Ala)

Gene: TUBGCP6 (tubulin gamma complex component 6; minus strand). Cytogenetic location: 22q13.33.
Variant type: single nucleotide variant.
Coding change: c.697C>G on transcript NM_020461.4 (MANE Select); coding-DNA position 697, C replaced by G.
Protein change: p.Pro233Ala; replaces proline 233 with alanine.
Molecular consequence: missense variant.
Genome position (GRCh38, 1-based): chr22:50,243,763, G>C on the plus strand (C>G on the coding strand, the complement: TUBGCP6 is on the minus strand). VCF-style: chr22-50243763-G-C. GRCh37 (hg19) VCF-style: chr22-50682192-G-C.
Other names: short protein forms P233A.
Identifiers: ClinVar variation 1716460 (VCV001716460.5), dbSNP rs1263050174, ClinGen allele CA412114312.